The following is an entry in ClinVar:

NM_001242896.3(DEPDC5):c.3094C>T (p.Pro1032Ser)

Gene: DEPDC5 (DEP domain containing 5, GATOR1 subcomplex subunit; plus strand). Cytogenetic location: 22q12.3.
Variant type: single nucleotide variant.
Coding change: c.3094C>T on transcript NM_001242896.3 (MANE Select); coding-DNA position 3094, C replaced by T.
Protein change: p.Pro1032Ser; replaces proline 1032 with serine.
Molecular consequence: missense variant. On other transcripts: non-coding transcript variant (5).
Genome position (GRCh38, 1-based): chr22:31,846,906, C>T. VCF-style: chr22-31846906-C-T. GRCh37 (hg19) VCF-style: chr22-32242892-C-T.
Other names: c.3067C>T, p.Pro1023Ser (NM_001136029.4, NM_001369903.1, NM_014662.6); c.2860C>T, p.Pro954Ser (NM_001242897.2, NM_001363854.2, NM_001364319.2); c.3094C>T, p.Pro1032Ser (NM_001363852.2, NM_001364318.2, NM_001364320.2); c.3010C>T, p.Pro1004Ser (NM_001369901.1, NM_001369902.1); short protein forms P1023S, P1032S, P1004S, P954S.
Identifiers: ClinVar variation 1365671 (VCV001365671.8), dbSNP rs770979723, ClinGen allele CA411292183.

ClinVar aggregate classification (germline): Uncertain significance (1 of 4 stars; one submission).

Conditions:
Familial focal epilepsy with variable foci (FPEVF). Identifiers: Orphanet 98820, MedGen C1858477, MONDO:0020310.

gnomAD v4.1: 2 of 1,614,218 alleles (0.00012%); highest among the groups gnomAD compares: Non-Finnish European, 0.00017%; no homozygotes.

Submission:

Labcorp Genetics (formerly Invitae), Labcorp
Classification: Uncertain significance for Familial focal epilepsy with variable foci. Last evaluated: 2021-05-04. Review status: criteria provided, single submitter. Criteria: Invitae Variant Classification Sherloc (09022015). Collection method: clinical testing. Allele origin: germline.
Comment: In summary, the available evidence is currently insufficient to determine the role of this variant in disease. Therefore, it has been classified as a Variant of Uncertain Significance. Algorithms developed to predict the effect of missense changes on protein structure and function are either unavailable or do not agree on the potential impact of this missense change (SIFT: "Tolerated"; PolyPhen-2: "Not Available"; Align-GVGD: "Class C0"). This variant has not been reported in the literature in individuals with DEPDC5-related conditions. This variant is not present in population databases (ExAC no frequency). This sequence change replaces proline with serine at codon 1032 of the DEPDC5 protein (p.Pro1032Ser). The proline residue is highly conserved and there is a moderate physicochemical difference between proline and serine.